The following is an entry in ClinVar:

ClinVar aggregate classification (germline): Uncertain significance (1 of 4 stars; one submission).

Conditions:
Hajdu-Cheney syndrome (HJCYS). Also called: SERPENTINE FIBULA-POLYCYSTIC KIDNEY SYNDROME; Acroosteolysis dominant type; ACROOSTEOLYSIS WITH OSTEOPOROSIS AND CHANGES IN SKULL AND MANDIBLE. Identifiers: Orphanet 955, MedGen C0917715, MONDO:0007057, OMIM 102500.

Allele frequency attached by ClinVar (database versions not stated): ExAC 0.00001; gnomAD 0.00001; gnomAD exomes 0.00001; TOPMed 0.00003; ESP Exome Variant Server 0.00008.
gnomAD v4.1: 10 of 1,613,852 alleles (0.00062%); highest among the groups gnomAD compares: Admixed American, 0.01%; no homozygotes.

Submission:

Labcorp Genetics (formerly Invitae), Labcorp
Classification: Uncertain significance for Hajdu-Cheney syndrome. Last evaluated: 2025-08-07. Review status: criteria provided, single submitter. Criteria: Invitae Variant Classification Sherloc (09022015). Collection method: clinical testing. Allele origin: germline.
Comment: This sequence change replaces isoleucine, which is neutral and non-polar, with valine, which is neutral and non-polar, at codon 380 of the NOTCH2 protein (p.Ile380Val). This variant is present in population databases (rs374689991, gnomAD 0.007%). This variant has not been reported in the literature in individuals affected with NOTCH2-related conditions. ClinVar contains an entry for this variant (Variation ID: 2075001). Invitae Evidence Modeling of protein sequence and biophysical properties (such as structural, functional, and spatial information, amino acid conservation, physicochemical variation, residue mobility, and thermodynamic stability) indicates that this missense variant is not expected to disrupt NOTCH2 protein function with a negative predictive value of 95%. In summary, the available evidence is currently insufficient to determine the role of this variant in disease. Therefore, it has been classified as a Variant of Uncertain Significance.

NM_024408.4(NOTCH2):c.1138A>G (p.Ile380Val)

Gene: NOTCH2 (notch receptor 2; minus strand). Cytogenetic location: 1p12.
Variant type: single nucleotide variant.
Coding change: c.1138A>G on transcript NM_024408.4 (MANE Select); coding-DNA position 1138, A replaced by G.
Protein change: p.Ile380Val; replaces isoleucine 380 with valine.
Molecular consequence: missense variant.
Genome position (GRCh38, 1-based): chr1:119,968,203, T>C on the plus strand (A>G on the coding strand, the complement: NOTCH2 is on the minus strand). VCF-style: chr1-119968203-T-C. GRCh37 (hg19) VCF-style: chr1-120510826-T-C.
Other names: c.1138A>G, p.Ile380Val (NM_001200001.2); short protein forms I380V.
Identifiers: ClinVar variation 2075001 (VCV002075001.4), dbSNP rs374689991, ClinGen allele CA1040601.